The following is an entry in ClinVar:

ClinVar aggregate classification (germline): Uncertain significance. Review status: criteria provided, multiple submitters, no conflicts (2 of 4 stars). 2 submissions from 2 submitters: Uncertain significance (2). Last evaluated 2025-11-26.

Conditions:
Hereditary cancer-predisposing syndrome. Also called: Hereditary neoplastic syndrome; Tumor predisposition; Neoplastic Syndromes, Hereditary; Hereditary Cancer Syndrome. Identifiers: Orphanet 140162, MedGen C0027672, MeSH D009386, MONDO:0015356.
Parathyroid carcinoma (PRTC). Also called: Parathyroid gland carcinoma; CDC73-Related Parathyroid Carcinoma. Identifiers: Orphanet 143, MedGen C0687150, MONDO:0012004, OMIM 608266, HP:0006780.

Allele frequency attached by ClinVar (database versions not stated): gnomAD exomes below 0.00001.
gnomAD v4.1: 1 of 1,614,036 alleles (0.000062%); highest among the groups gnomAD compares: Non-Finnish European, 0.000085%; no homozygotes.

Submissions (2):

Ambry Genetics
Classification: Uncertain significance for Hereditary cancer-predisposing syndrome. Last evaluated: 2025-11-26. Review status: criteria provided, single submitter. Criteria: Ambry Variant Classification Scheme 2023. Collection method: clinical testing. Allele origin: germline.
Comment: The p.Q398R variant (also known as c.1193A>G), located in coding exon 14 of the CDC73 gene, results from an A to G substitution at nucleotide position 1193. The glutamine at codon 398 is replaced by arginine, an amino acid with highly similar properties. This amino acid position is conserved. In addition, this alteration is predicted to be tolerated by in silico analysis. Based on the available evidence, the clinical significance of this variant remains unclear.

Labcorp Genetics (formerly Invitae), Labcorp
Classification: Uncertain significance for Parathyroid carcinoma. Last evaluated: 2021-05-31. Review status: criteria provided, single submitter. Criteria: Invitae Variant Classification Sherloc (09022015). Collection method: clinical testing. Allele origin: germline.
Comment: In summary, the available evidence is currently insufficient to determine the role of this variant in disease. Therefore, it has been classified as a Variant of Uncertain Significance. Algorithms developed to predict the effect of missense changes on protein structure and function (SIFT, PolyPhen-2, Align-GVGD) all suggest that this variant is likely to be tolerated, but these predictions have not been confirmed by published functional studies and their clinical significance is uncertain. This variant has not been reported in the literature in individuals with CDC73-related conditions. This variant is not present in population databases (ExAC no frequency). This sequence change replaces glutamine with arginine at codon 398 of the CDC73 protein (p.Gln398Arg). The glutamine residue is moderately conserved and there is a small physicochemical difference between glutamine and arginine.

NM_024529.5(CDC73):c.1193A>G (p.Gln398Arg)

Gene: CDC73 (cell division cycle 73; plus strand). Cytogenetic location: 1q31.2.
Variant type: single nucleotide variant.
Coding change: c.1193A>G on transcript NM_024529.5 (MANE Select); coding-DNA position 1193, A replaced by G.
Protein change: p.Gln398Arg; replaces glutamine 398 with arginine.
Molecular consequence: missense variant.
Genome position (GRCh38, 1-based): chr1:193,233,031, A>G. VCF-style: chr1-193233031-A-G. GRCh37 (hg19) VCF-style: chr1-193202161-A-G.
Other names: c.1193A>G (NM_024529.4); short protein forms Q398R.
Identifiers: ClinVar variation 1501605 (VCV001501605.10), dbSNP rs878855088, ClinGen allele CA344077795.